The following is an entry in ClinVar:

ClinVar aggregate classification (germline): Uncertain significance (1 of 4 stars; one submission).

Allele frequency attached by ClinVar (database versions not stated): TOPMed below 0.00001; gnomAD 0.00001.
gnomAD v4.1: 18 of 1,613,948 alleles (0.0011%); highest among the groups gnomAD compares: South Asian, 0.0044%; no homozygotes.

Submission:

Labcorp Genetics (formerly Invitae), Labcorp
Classification: Uncertain significance. Last evaluated: 2024-06-03. Review status: criteria provided, single submitter. Criteria: Invitae Variant Classification Sherloc (09022015). Collection method: clinical testing. Allele origin: germline.
Comment: This sequence change replaces arginine, which is basic and polar, with glutamine, which is neutral and polar, at codon 425 of the BNC2 protein (p.Arg425Gln). This variant is present in population databases (rs754309176, gnomAD 0.003%). This variant has not been reported in the literature in individuals affected with BNC2-related conditions. An algorithm developed to predict the effect of missense changes on protein structure and function (PolyPhen-2) suggests that this variant is likely to be tolerated. In summary, the available evidence is currently insufficient to determine the role of this variant in disease. Therefore, it has been classified as a Variant of Uncertain Significance.

NM_017637.6(BNC2):c.1274G>A (p.Arg425Gln)

Gene: BNC2 (basonuclin zinc finger protein 2; minus strand). Cytogenetic location: 9p22.3.
Variant type: single nucleotide variant.
Coding change: c.1274G>A on transcript NM_017637.6 (MANE Select); coding-DNA position 1274, G replaced by A.
Protein change: p.Arg425Gln; replaces arginine 425 with glutamine.
Molecular consequence: missense variant.
Genome position (GRCh38, 1-based): chr9:16,436,920, C>T on the plus strand (G>A on the coding strand, the complement: BNC2 is on the minus strand). VCF-style: chr9-16436920-C-T. GRCh37 (hg19) VCF-style: chr9-16436918-C-T.
Other names: c.1148G>A, p.Arg383Gln (NM_001317939.2); c.989G>A, p.Arg330Gln (NM_001317940.2); short protein forms R425Q, R330Q, R383Q.
Identifiers: ClinVar variation 2986477 (VCV002986477.3), dbSNP rs754309176, ClinGen allele CA4996085.
Genomic context (GRCh38, chr9:16,436,920, plus strand): 5'-GCATTACAGAACACTCTTCCTTTCCTAGAGGCTGACCCCATCCTTCTCATCCGATGAATC[C>T]GGAATGAGCTTTTTGGGTGTTCAGTTTTGGTTAGATCACTGACTGGGGCAGAATTCTGAA-3'
Protein context (NP_060107.3, residues 415-435): TKTEHPKSSF[Arg425Gln]IHRMRRMGSA